The following is an entry in ClinVar:

ClinVar aggregate classification (germline): Uncertain significance (1 of 4 stars; one submission).

Allele frequency attached by ClinVar (database versions not stated): gnomAD 0.00002; gnomAD exomes below 0.00001; ExAC 0.00001; TOPMed 0.00001.

Submission:

Labcorp Genetics (formerly Invitae), Labcorp
Classification: Uncertain significance. Last evaluated: 2023-03-07. Review status: criteria provided, single submitter. Criteria: Invitae Variant Classification Sherloc (09022015). Collection method: clinical testing. Allele origin: germline.
Comment: In summary, the available evidence is currently insufficient to determine the role of this variant in disease. Therefore, it has been classified as a Variant of Uncertain Significance. Advanced modeling of protein sequence and biophysical properties (such as structural, functional, and spatial information, amino acid conservation, physicochemical variation, residue mobility, and thermodynamic stability) performed at Invitae indicates that this missense variant is not expected to disrupt LEMD3 protein function. This variant has not been reported in the literature in individuals affected with LEMD3-related conditions. This variant is present in population databases (rs776062606, gnomAD 0.007%). This sequence change replaces tyrosine, which is neutral and polar, with cysteine, which is neutral and slightly polar, at codon 532 of the LEMD3 protein (p.Tyr532Cys).

NM_014319.5(LEMD3):c.1595A>G (p.Tyr532Cys)

Gene: LEMD3 (LEM domain containing 3; plus strand). Cytogenetic location: 12q14.3.
Variant type: single nucleotide variant.
Coding change: c.1595A>G on transcript NM_014319.5 (MANE Select); coding-DNA position 1595, A replaced by G.
Protein change: p.Tyr532Cys; replaces tyrosine 532 with cysteine.
Molecular consequence: missense variant.
Genome position (GRCh38, 1-based): chr12:65,216,011, A>G. VCF-style: chr12-65216011-A-G. GRCh37 (hg19) VCF-style: chr12-65609791-A-G.
Other names: c.1592A>G, p.Tyr531Cys (NM_001167614.2); short protein forms Y531C, Y532C.
Identifiers: ClinVar variation 2841127 (VCV002841127.3), dbSNP rs776062606, ClinGen allele CA6670960.